The following is an entry in ClinVar:

NM_000138.5(FBN1):c.4588C>A (p.Arg1530Ser)

Gene: FBN1 (fibrillin 1; minus strand). Cytogenetic location: 15q21.1.
Variant type: single nucleotide variant.
Coding change: c.4588C>A on transcript NM_000138.5 (MANE Select); coding-DNA position 4588, C replaced by A.
Protein change: p.Arg1530Ser; replaces arginine 1530 with serine.
Molecular consequence: missense variant.
Genome position (GRCh38, 1-based): chr15:48,468,097, G>T on the plus strand (C>A on the coding strand, the complement: FBN1 is on the minus strand). VCF-style: chr15-48468097-G-T. GRCh37 (hg19) VCF-style: chr15-48760294-G-T.
Other names: short protein forms R1530S.
Identifiers: ClinVar variation 918685 (VCV000918685.3), dbSNP rs111401431, ClinGen allele CA392353179.

ClinVar aggregate classification (germline): Uncertain significance (1 of 4 stars; one submission).

Conditions:
Familial thoracic aortic aneurysm and aortic dissection (TAAD). Also called: Thoracic aortic aneurysms and dissections. Identifiers: Orphanet 91387, MedGen C4707243, MONDO:0019625.

Submission:

Color Diagnostics, LLC DBA Color Health
Classification: Uncertain significance for Familial thoracic aortic aneurysm and aortic dissection. Last evaluated: 2019-06-04. Review status: criteria provided, single submitter. Criteria: ACMG Guidelines, 2015. Collection method: clinical testing. Allele origin: germline.
Comment: This missense variant replaces arginine with serine at codon 1530 of the FBN1 protein. Computational prediction tools and conservation analyses are inconclusive regarding the impact of this variant on the protein function. Computational splicing tools suggest that this variant may not impact RNA splicing. To our knowledge, functional assays have not been performed for this variant nor has this variant been reported in individuals affected with cardiovascular disorders in the literature. This variant has not been identified in the general population by the Genome Aggregation Database (gnomAD). Available evidence is insufficient to determine the role of this variant in disease conclusively. Therefore, this variant is classified as a Variant of Uncertain Significance.